The following is an entry in ClinVar:

ClinVar aggregate classification (germline): Benign/Likely benign. Review status: criteria provided, multiple submitters, no conflicts (2 of 4 stars). 5 submissions from 5 submitters: Benign (1); Likely benign (4). Last evaluated 2025-12-15.

Conditions:
Hereditary sensory neuropathy-deafness-dementia syndrome. Also called: HSN IE; Hereditary sensory neuropathy type IE; Hereditary Sensory and Autonomic Neuropathy Type 1E (HSAN1E); NEUROPATHY, HEREDITARY SENSORY, WITH HEARING LOSS AND DEMENTIA. Identifiers: Orphanet 456318, MedGen C3279885, MONDO:0013584, OMIM 614116.

Allele frequency attached by ClinVar (database versions not stated): gnomAD 0.00014 and 0.00015; 1000 Genomes Project 30x 0.00016; 1000 Genomes Project 0.00020; gnomAD exomes 0.00022 and 0.00024; TOPMed 0.00025; ExAC 0.00030; ESP Exome Variant Server 0.00031.
gnomAD v4.1: 352 of 1,612,950 alleles (0.022%); highest among the groups gnomAD compares: Middle Eastern, 0.099%; 1 homozygote.

Submissions (5):

Labcorp Genetics (formerly Invitae), Labcorp
Classification: Likely benign for Hereditary sensory neuropathy-deafness-dementia syndrome. Last evaluated: 2025-12-15. Review status: criteria provided, single submitter. Criteria: Invitae Variant Classification Sherloc (09022015). Collection method: clinical testing. Allele origin: germline.

Women's Health and Genetics/Laboratory Corporation of America, LabCorp
Classification: Benign. Last evaluated: 2025-02-03. Review status: criteria provided, single submitter. Criteria: LabCorp Variant Classification Summary - May 2015. Collection method: clinical testing. Allele origin: germline.

Blueprint Genetics
Classification: Likely benign. Last evaluated: 2024-11-23. Review status: criteria provided, single submitter. Criteria: ACMG Guidelines, 2015. Collection method: clinical testing. Allele origin: germline.

GeneDx
Classification: Likely benign. Last evaluated: 2017-12-21. Review status: criteria provided, single submitter. Criteria: GeneDx Variant Classification (06012015). Collection method: clinical testing. Allele origin: germline. Affected: yes.
Comment: This variant is considered likely benign or benign based on one or more of the following criteria: it is a conservative change, it occurs at a poorly conserved position in the protein, it is predicted to be benign by multiple in silico algorithms, and/or has population frequency not consistent with disease.

Breakthrough Genomics
Classification: Likely benign. Review status: criteria provided, single submitter. Criteria: ACMG Guidelines, 2015. Collection method: not provided. Allele origin: germline. Inheritance: Autosomal dominant inheritance. Affected: yes.

NM_001130823.3(DNMT1):c.3310-18C>T

Gene: DNMT1 (DNA methyltransferase 1; minus strand). Cytogenetic location: 19p13.2.
Variant type: single nucleotide variant.
Coding change: c.3310-18C>T on transcript NM_001130823.3 (MANE Select); 18 bases into the intron before coding-DNA position 3310, C replaced by T.
Molecular consequence: intron variant.
Genome position (GRCh38, 1-based): chr19:10,141,207, G>A on the plus strand (C>T on the coding strand, the complement: DNMT1 is on the minus strand). VCF-style: chr19-10141207-G-A. GRCh37 (hg19) VCF-style: chr19-10251883-G-A.
Other names: c.2947-18C>T (NM_001318731.2); c.3262-18C>T (NM_001379.4, NM_001318730.2); c.3310-18C>T (LRG_362t1).
Identifiers: ClinVar variation 516391 (VCV000516391.13), dbSNP rs199617900, ClinGen allele CA9187781.